The following is an entry in ClinVar:

NM_000322.5(PRPH2):c.265_268delinsAGGGCC (p.Ala89fs)

Gene: PRPH2 (peripherin 2; minus strand). Cytogenetic location: 6p21.1.
Variant type: Indel.
Coding change: c.265_268delinsAGGGCC on transcript NM_000322.5 (MANE Select); coding-DNA positions 265 to 268, GCCA replaced by AGGGCC.
Protein change: p.Ala89fs; shifts the reading frame from alanine 89.
Molecular consequence: frameshift variant.
Genome position (GRCh38, 1-based): chr6:42,722,067-42,722,070, TGGC replaced by GGCCCT on the plus strand (GCCA replaced by AGGGCC on the coding strand, the reverse complement: PRPH2 is on the minus strand). VCF-style: chr6-42722067-TGGC-GGCCCT. GRCh37 (hg19) VCF-style: chr6-42689805-TGGC-GGCCCT.
Other names: short protein forms A89fs.
Identifiers: ClinVar variation 1175212 (VCV001175212.2), dbSNP rs2152011018, ClinGen allele CA2499218304.

ClinVar aggregate classification (germline): Pathogenic. Review status: criteria provided, single submitter (1 of 4 stars). 2 submissions from 2 submitters: Pathogenic (1). 1 of the submissions does not count toward it. Last evaluated 2021-09-24.

Conditions:
PRPH2-related disorder. Also called: PRPH2-related condition; PRPH2-related disorders. Identifiers: MedGen CN239395.

Submissions (2):

Blueprint Genetics
Classification: Pathogenic for PRPH2-related disorders. Last evaluated: 2021-09-24. Review status: criteria provided, single submitter. Criteria: ACMG Guidelines, 2015. Collection method: clinical testing. Allele origin: germline. Affected: yes. Observed: 2 variant alleles.

Leiden Open Variation Database
Classification: Pathogenic. Last evaluated: 2021-04-06. Review status: no assertion criteria provided. Collection method: curation. Allele origin: germline. Affected: yes. Not counted in ClinVar's aggregate classification.
Comment: Curator: Global Variome, with Curator vacancy. Submitter to LOVD: Manon Peeters.

Literature cited by the submitters: PubMed 17031298 (cited by Leiden Open Variation Database).